The following is an entry in ClinVar:

ClinVar aggregate classification (germline): Pathogenic/Likely pathogenic. Review status: criteria provided, multiple submitters, no conflicts (2 of 4 stars). 6 submissions from 6 submitters: Pathogenic (3); Likely pathogenic (3). Last evaluated 2026-01-31.

Conditions:
TCTN2-related disorder. Also called: TCTN2-related condition; TCTN2-related disorders. Identifiers: MedGen CN239412.
Joubert syndrome 24 (JBTS24). Identifiers: Orphanet 475, MedGen C4084841, MONDO:0014724, OMIM 616654.
Meckel syndrome, type 8. Identifiers: Orphanet 564, MedGen C3836857, MONDO:0013482, OMIM 613885.
Meckel-Gruber syndrome. Also called: DYSENCEPHALIA SPLANCHNOCYSTICA; Dysencephalia splachnocystica; GRUBER SYNDROME. Identifiers: Orphanet 564, MedGen C0265215, MONDO:0018921.
Joubert syndrome. Also called: Familial aplasia of the vermis; JOUBERT-BOLTSHAUSER SYNDROME. Identifiers: Orphanet 475, MedGen C5979921, MONDO:0018772.

Allele frequency attached by ClinVar (database versions not stated): gnomAD exomes below 0.00001 and 0.00001; gnomAD 0.00001; TOPMed 0.00001.

Submissions (6):

Labcorp Genetics (formerly Invitae), Labcorp
Classification: Pathogenic for Joubert syndrome; Meckel-Gruber syndrome. Last evaluated: 2026-01-31. Review status: criteria provided, single submitter. Criteria: Invitae Variant Classification Sherloc (09022015). Collection method: clinical testing. Allele origin: germline.
Comment: This sequence change creates a premature translational stop signal (p.Asp543Ilefs*11) in the TCTN2 gene. It is expected to result in an absent or disrupted protein product. Loss-of-function variants in TCTN2 are known to be pathogenic (PMID: 21565611). This variant is present in population databases (no rsID available, gnomAD 0.0009%). This premature translational stop signal has been observed in individual(s) with Joubert syndrome (PMID: 26092869). ClinVar contains an entry for this variant (Variation ID: 217697). For these reasons, this variant has been classified as Pathogenic.

Variantyx, Inc.
Classification: Likely pathogenic for Joubert syndrome 24. Last evaluated: 2025-10-20. Review status: criteria provided, single submitter. Criteria: Variantyx Assertion Criteria 2022. Collection method: clinical testing. Allele origin: germline. Inheritance: Autosomal recessive inheritance. Affected: no.
Comment: This is a frameshift variant in the TCTN2 gene (OMIM: 613846). Pathogenic variants in this gene have been associated with autosomal recessive Joubert syndrome 24. The alteration introduces a premature termination codon in exon 15 out of 18 and is expected to result in loss of function, which is a known disease mechanism for TCTN2 in this disorder (PMID: 21565611) (PVS1). It has been reported in several affected individuals who carried a second variant in this gene; however, the phase of these variants could not be determined (PMID: 26092869). The maximum allele frequency in non-founder control populations is 0.0017% (PM2). Based on the current evidence, this variant is classified as likely pathogenic for autosomal recessive Joubert syndrome 24.

GeneDx
Classification: Pathogenic. Last evaluated: 2025-04-02. Review status: criteria provided, single submitter. Criteria: GeneDx Variant Classification Process June 2021. Collection method: clinical testing. Allele origin: germline. Affected: yes.
Comment: Reported previously in a patient with Joubert syndrome who also harbors the G205C variant; unclear if parental segregation was performed in this patient (PMID: 26092869); Frameshift variant predicted to result in protein truncation or nonsense mediated decay in a gene for which loss of function is a known mechanism of disease; Not observed at significant frequency in large population cohorts (gnomAD); This variant is associated with the following publications: (PMID: 21565611, 26092869)

Fulgent Genetics
Classification: Likely pathogenic for Meckel syndrome, type 8; Joubert syndrome 24. Last evaluated: 2024-04-25. Review status: criteria provided, single submitter. Criteria: ACMG Guidelines, 2015. Collection method: clinical testing. Allele origin: germline.

Blueprint Genetics
Classification: Likely pathogenic for TCTN2-related disorders. Last evaluated: 2018-11-08. Review status: criteria provided, single submitter. Criteria: ACMG Guidelines, 2015. Collection method: clinical testing. Allele origin: germline. Affected: yes. Observed: 1 variant allele.

UW Hindbrain Malformation Research Program, University of Washington
Classification: Pathogenic for Joubert syndrome. Last evaluated: 2015-02-23. Review status: criteria provided, single submitter. Criteria: Bachmann-Gagescu et al. (J Med Genet. 2015). Collection method: research. Allele origin: unknown. Affected: yes.

Literature cited by the submitters: PubMed 21565611 (cited by Labcorp Genetics (formerly Invitae), Labcorp and Variantyx, Inc.); PubMed 26092869 (cited by Labcorp Genetics (formerly Invitae), Labcorp and Variantyx, Inc.).

NM_024809.5(TCTN2):c.1626del (p.Asp543fs)

Gene: TCTN2 (tectonic family member 2; plus strand). Cytogenetic location: 12q24.31.
Variant type: Deletion.
Coding change: c.1626del on transcript NM_024809.5 (MANE Select); coding-DNA position 1626, one base deleted (T; older notation c.1626delT).
Protein change: p.Asp543fs; shifts the reading frame from aspartic acid 543.
Molecular consequence: frameshift variant.
Genome position (GRCh38, 1-based): chr12:123,704,545, T deleted. VCF-style (leftmost placement, unchanged base first): chr12-123704544-CT-C. GRCh37 (hg19) VCF-style: chr12-124189091-CT-C.
Other names: c.1623del, p.Asp542fs (NM_001143850.3); c.1626del (NM_024809.4); short protein forms D542fs, D543fs.
Identifiers: ClinVar variation 217697 (VCV000217697.9), dbSNP rs863225220, ClinGen allele CA279556.
Genomic context (GRCh38, chr12:123,704,544, plus strand): 5'-ACTTATCAAATTATTCTTTGAAAAGTGTATAACTTAACATTTCTATAGGTGTAGATGCCC[CT>C]GATCCAGGTGCAGACCCGCTGGCTAGCAGTGTGAACGGCATGTGCCTGGATATTCCTGCT-3'